The following is an entry in ClinVar:

ClinVar aggregate classification (germline): Likely benign. Review status: criteria provided, multiple submitters, no conflicts (2 of 4 stars). 8 submissions from 8 submitters: Likely benign (8). Last evaluated 2026-09-21.

Conditions:
ANK2-related disorder. Also called: ANK2-related condition.
Cardiovascular phenotype. Identifiers: MedGen CN230736.
Cardiac arrhythmia, ankyrin-B-related. Also called: ANKYRIN-B SYNDROME. Identifiers: Orphanet 101016, Orphanet 768, MedGen C1970119, MONDO:0010958, OMIM 600919.
Long QT syndrome (LQTS). Identifiers: MedGen C0023976, MeSH D008133, MONDO:0002442. Disease mechanism: loss of function. Inheritance: Various modes of inheritance.

Allele frequency attached by ClinVar (database versions not stated): gnomAD 0.00051 and 0.00052; 1000 Genomes Project 0.00060; gnomAD exomes 0.00015; TOPMed 0.00048; ExAC 0.00022; 1000 Genomes Project 30x 0.00062; ESP Exome Variant Server 0.00077.
gnomAD v4.1: 142 of 1,614,088 alleles (0.0088%); highest among the groups gnomAD compares: African/African-American, 0.16%; no homozygotes.

Submissions (8):

Molecular Diagnostic Laboratory for Inherited Cardiovascular Disease, Montreal Heart Institute
Classification: Likely benign. Last evaluated: 2026-09-21. Review status: criteria provided, single submitter. Criteria: ACMG Guidelines, 2015. Collection method: clinical testing. Allele origin: germline. Affected: no.
Comment: BS1

Labcorp Genetics (formerly Invitae), Labcorp
Classification: Likely benign for Long QT syndrome. Last evaluated: 2026-01-05. Review status: criteria provided, single submitter. Criteria: Invitae Variant Classification Sherloc (09022015). Collection method: clinical testing. Allele origin: germline.

PreventionGenetics, part of Exact Sciences
Classification: Likely benign for ANK2-related condition. Last evaluated: 2025-02-13. Review status: criteria provided, single submitter. Criteria: ACMG Guidelines, 2015. Collection method: clinical testing. Allele origin: germline.
Comment: This variant is classified as likely benign based on ACMG/AMP sequence variant interpretation guidelines (Richards et al. 2015 PMID: 25741868, with internal and published modifications).

Women's Health and Genetics/Laboratory Corporation of America, LabCorp
Classification: Likely benign. Last evaluated: 2023-07-03. Review status: criteria provided, single submitter. Criteria: LabCorp Variant Classification Summary - May 2015. Collection method: clinical testing. Allele origin: germline.

Fulgent Genetics
Classification: Likely benign for Cardiac arrhythmia, ankyrin-B-related. Last evaluated: 2021-08-24. Review status: criteria provided, single submitter. Criteria: ACMG Guidelines, 2015. Collection method: clinical testing. Allele origin: unknown.

GeneDx
Classification: Likely benign. Last evaluated: 2021-03-26. Review status: criteria provided, single submitter. Criteria: GeneDx Variant Classification Process June 2021. Collection method: clinical testing. Allele origin: germline. Affected: yes.

Ambry Genetics
Classification: Likely benign for Cardiovascular phenotype. Last evaluated: 2018-05-31. Review status: criteria provided, single submitter. Criteria: Ambry Variant Classification Scheme 2023. Collection method: clinical testing. Allele origin: germline.

Breakthrough Genomics
Classification: Likely benign. Review status: criteria provided, single submitter. Criteria: ACMG Guidelines, 2015. Collection method: not provided. Allele origin: germline. Inheritance: Autosomal dominant inheritance. Affected: yes.

NM_001148.6(ANK2):c.9923C>G (p.Thr3308Ser)

Gene: ANK2 (ankyrin 2; plus strand). Cytogenetic location: 4q26.
Variant type: single nucleotide variant.
Coding change: c.9923C>G on transcript NM_001148.6 (MANE Select); coding-DNA position 9923, C replaced by G.
Protein change: p.Thr3308Ser; replaces threonine 3308 with serine.
Molecular consequence: missense variant. On other transcripts: intron variant (68).
Genome position (GRCh38, 1-based): chr4:113,358,541, C>G. VCF-style: chr4-113358541-C-G. GRCh37 (hg19) VCF-style: chr4-114279697-C-G.
Other names: c.9689C>G, p.Thr3230Ser (NM_001386142.1); c.6323C>G, p.Thr2108Ser (NM_001386166.1); c.10064C>G, p.Thr3355Ser (NM_001386174.1); c.10040C>G, p.Thr3347Ser (NM_001386175.1); c.4412-2282C>G (NM_001386186.2, NM_001386148.2); c.4214-2282C>G (NM_001354269.3); c.4292-2282C>G (NM_001386187.2); c.4253-2282C>G (NM_001386147.1); and 36 more; short protein forms T3308S, T2108S, T3230S, T3347S, T3355S.
Identifiers: ClinVar variation 519247 (VCV000519247.21), dbSNP rs145145511, ClinGen allele CA3052003.